The following is an entry in ClinVar:

ClinVar aggregate classification (germline): Uncertain significance (1 of 4 stars; one submission).

Conditions:
Charcot-Marie-Tooth disease axonal type 2C (HMSN2C). Also called: CHARCOT-MARIE-TOOTH DISEASE, AXONAL, AUTOSOMAL DOMINANT, TYPE 2C; Charcot-Marie-Tooth Neuropathy Type 2C; Charcot-Marie-Tooth Disease Type 2, TRPV4-Related (CMT2C). Identifiers: Orphanet 99937, MedGen C1853710, MONDO:0011633, OMIM 606071.

Allele frequency attached by ClinVar (database versions not stated): gnomAD exomes below 0.00001; ExAC 0.00001.

Submission:

Labcorp Genetics (formerly Invitae), Labcorp
Classification: Uncertain significance for Charcot-Marie-Tooth disease axonal type 2C. Last evaluated: 2024-07-01. Review status: criteria provided, single submitter. Criteria: Invitae Variant Classification Sherloc (09022015). Collection method: clinical testing. Allele origin: germline.
Comment: This sequence change replaces tyrosine, which is neutral and polar, with asparagine, which is neutral and polar, at codon 439 of the TRPV4 protein (p.Tyr439Asn). This variant is present in population databases (rs762416745, gnomAD 0.0009%). This variant has not been reported in the literature in individuals affected with TRPV4-related conditions. ClinVar contains an entry for this variant (Variation ID: 1515353). Advanced modeling of protein sequence and biophysical properties (such as structural, functional, and spatial information, amino acid conservation, physicochemical variation, residue mobility, and thermodynamic stability) has been performed at Invitae for this missense variant, however the output from this modeling did not meet the statistical confidence thresholds required to predict the impact of this variant on TRPV4 protein function. In summary, the available evidence is currently insufficient to determine the role of this variant in disease. Therefore, it has been classified as a Variant of Uncertain Significance.

NM_021625.5(TRPV4):c.1315T>A (p.Tyr439Asn)

Gene: TRPV4 (transient receptor potential cation channel subfamily V member 4; minus strand). Cytogenetic location: 12q24.11.
Variant type: single nucleotide variant.
Coding change: c.1315T>A on transcript NM_021625.5 (MANE Select); coding-DNA position 1315, T replaced by A.
Protein change: p.Tyr439Asn; replaces tyrosine 439 with asparagine.
Molecular consequence: missense variant. On other transcripts: intron variant (2).
Genome position (GRCh38, 1-based): chr12:109,796,542, A>T on the plus strand (T>A on the coding strand, the complement: TRPV4 is on the minus strand). VCF-style: chr12-109796542-A-T. GRCh37 (hg19) VCF-style: chr12-110234347-A-T.
Other names: c.1174T>A, p.Tyr392Asn (NM_001177428.2); c.1213T>A, p.Tyr405Asn (NM_001177431.2); c.1012-2055T>A (NM_001177433.1); c.1153-2055T>A (NM_147204.2); short protein forms Y392N, Y405N, Y439N.
Identifiers: ClinVar variation 1515353 (VCV001515353.6), dbSNP rs762416745, ClinGen allele CA6780294.
Genomic context (GRCh38, chr12:109,796,542, plus strand): 5'-TGCCCCTCCTTCCTCACACCCCATGCCCCCTCCTGGAGCCCACCTCAATCTTGCTGTTGT[A>T]CACCAGGATCTCCAGCACGGAGGCCTCTTCCCCACACGTGTCCAGGGAGGAGAGGTCATA-3'
Protein context (NP_067638.3, residues 429-449): EEASVLEILV[Tyr439Asn]NSKIENRHEM